The following is an entry in ClinVar:

NM_001111125.3(IQSEC2):c.1287G>C (p.Gly429=)

Gene: IQSEC2 (IQ motif and Sec7 domain ArfGEF 2; minus strand). Cytogenetic location: Xp11.22.
Variant type: single nucleotide variant.
Coding change: c.1287G>C on transcript NM_001111125.3 (MANE Select); coding-DNA position 1287, G replaced by C.
Protein change: p.Gly429=; no amino-acid change (glycine 429 retained).
Molecular consequence: synonymous variant.
Genome position (GRCh38, 1-based): chrX:53,254,644, C>G on the plus strand (G>C on the coding strand, the complement: IQSEC2 is on the minus strand). VCF-style: chrX-53254644-C-G. GRCh37 (hg19) VCF-style: chrX-53283826-C-G.
Other names: c.672G>C, p.Gly224= (NM_015075.2).
Identifiers: ClinVar variation 511659 (VCV000511659.1), dbSNP rs1556864576, ClinGen allele CA516674277.
Genomic context (GRCh38, chrX:53,254,644, plus strand): 5'-TGTGGTGACGGAGCTTCCACCACCATCGATGCCCCCACCACAGGAGCCTCCATATGGGAG[C>G]CCCCGTTCAAGCCGGTGGCTCCGGGCACCAGCCATGGCACCCTCGTCCAGCGAGGCAGGC-3'
Protein context (NP_001104595.1, residues 419-439): AGARSHRLER[Gly429=]LPYGGSCGGG

ClinVar aggregate classification (germline): Likely benign (1 of 4 stars; one submission).

Submission:

GeneDx
Classification: Likely benign. Last evaluated: 2017-08-25. Review status: criteria provided, single submitter. Criteria: GeneDx Variant Classification (06012015). Collection method: clinical testing. Allele origin: germline. Affected: yes.
Comment: This variant is considered likely benign or benign based on one or more of the following criteria: it is a conservative change, it occurs at a poorly conserved position in the protein, it is predicted to be benign by multiple in silico algorithms, and/or has population frequency not consistent with disease.